The following is an entry in ClinVar:

NM_000400.4(ERCC2):c.2191-3C>T

Gene: ERCC2 (ERCC excision repair 2, TFIIH core complex helicase subunit; minus strand). Cytogenetic location: 19q13.32.
Variant type: single nucleotide variant.
Coding change: c.2191-3C>T on transcript NM_000400.4 (MANE Select); 3 bases into the intron before coding-DNA position 2191, C replaced by T.
Molecular consequence: intron variant.
Genome position (GRCh38, 1-based): chr19:45,351,724, G>A on the plus strand (C>T on the coding strand, the complement: ERCC2 is on the minus strand). VCF-style: chr19-45351724-G-A. GRCh37 (hg19) VCF-style: chr19-45854982-G-A.
Identifiers: ClinVar variation 329502 (VCV000329502.6), dbSNP rs748611039, ClinGen allele CA9512819.
Genomic context (GRCh38, chr19:45,351,724, plus strand): 5'-GCGTCTCCTCTGATTCTAGCTGCTCCAGGCTGAGCAGGGACAGGCCCAGCTGATCCTCCT[G>A]CAGAGAACAGAGGAAAGGGAGAGGGGGGCACTGTTGGGCAGGGGCCCAGGCAGCTGCTGC-3'

ClinVar aggregate classification (germline): Uncertain significance. Review status: criteria provided, multiple submitters, no conflicts (2 of 4 stars). 2 submissions from 2 submitters: Uncertain significance (2). Last evaluated 2022-06-15.

Conditions:
Xeroderma pigmentosum, group D (XPD). Also called: ERCC2-Related Xeroderma Pigmentosum; XERODERMA PIGMENTOSUM, COMPLEMENTATION GROUP D; XERODERMA PIGMENTOSUM IV; XP, GROUP D; XP, GROUP H. Identifiers: MedGen C0268138, MONDO:0010212, OMIM 278730.

Allele frequency attached by ClinVar (database versions not stated): gnomAD 0.00001; TOPMed 0.00002.
gnomAD v4.1: 22 of 1,613,540 alleles (0.0014%); highest among the groups gnomAD compares: East Asian, 0.0067%; no homozygotes.

Submissions (2):

Labcorp Genetics (formerly Invitae), Labcorp
Classification: Uncertain significance. Last evaluated: 2022-06-15. Review status: criteria provided, single submitter. Criteria: Invitae Variant Classification Sherloc (09022015). Collection method: clinical testing. Allele origin: germline.
Comment: This sequence change falls in intron 22 of the ERCC2 gene. It does not directly change the encoded amino acid sequence of the ERCC2 protein. It affects a nucleotide within the consensus splice site. This variant is present in population databases (rs748611039, gnomAD 0.003%). This variant has not been reported in the literature in individuals affected with ERCC2-related conditions. ClinVar contains an entry for this variant (Variation ID: 329502). Variants that disrupt the consensus splice site are a relatively common cause of aberrant splicing (PMID: 17576681, 9536098). Algorithms developed to predict the effect of sequence changes on RNA splicing suggest that this variant is not likely to affect RNA splicing. In summary, the available evidence is currently insufficient to determine the role of this variant in disease. Therefore, it has been classified as a Variant of Uncertain Significance.

Illumina Laboratory Services, Illumina
Classification: Uncertain significance for Xeroderma pigmentosum, group D. Last evaluated: 2018-01-12. Review status: criteria provided, single submitter. Criteria: ICSL Variant Classification Criteria 13 December 2019. Collection method: clinical testing. Allele origin: germline.

Literature cited by the submitters: PubMed 17576681 (cited by Labcorp Genetics (formerly Invitae), Labcorp); PubMed 9536098 (cited by Labcorp Genetics (formerly Invitae), Labcorp).